The following is an entry in ClinVar:

ClinVar aggregate classification (germline): Uncertain significance (1 of 4 stars; one submission).

Conditions:
Hereditary breast ovarian cancer syndrome. Also called: BRCA1- and BRCA2-Associated Hereditary Breast and Ovarian Cancer; Breast and ovarian cancer; Hereditary breast and/or ovarian cancer syndrome; Hereditary breast and ovarian cancer; Hereditary breast and ovarian cancer syndrome (HBOC); Hereditary breast and ovarian cancer syndrome. Identifiers: Orphanet 145, MedGen C0677776, MeSH D061325, MONDO:0003582. Disease mechanism: loss of function.

Submission:

Labcorp Genetics (formerly Invitae), Labcorp
Classification: Uncertain significance for Hereditary breast ovarian cancer syndrome. Last evaluated: 2023-08-08. Review status: criteria provided, single submitter. Criteria: Invitae Variant Classification Sherloc (09022015). Collection method: clinical testing. Allele origin: germline.
Comment: In summary, the available evidence is currently insufficient to determine the role of this variant in disease. Therefore, it has been classified as a Variant of Uncertain Significance. Advanced modeling of protein sequence and biophysical properties (such as structural, functional, and spatial information, amino acid conservation, physicochemical variation, residue mobility, and thermodynamic stability) performed at Invitae indicates that this missense variant is not expected to disrupt BRCA2 protein function. This variant has not been reported in the literature in individuals affected with BRCA2-related conditions. This variant is not present in population databases (gnomAD no frequency). This sequence change replaces asparagine, which is neutral and polar, with threonine, which is neutral and polar, at codon 2137 of the BRCA2 protein (p.Asn2137Thr).

NM_000059.4(BRCA2):c.6410A>C (p.Asn2137Thr)

Gene: BRCA2 (BRCA2 DNA repair associated; plus strand). Cytogenetic location: 13q13.1.
Variant type: single nucleotide variant.
Coding change: c.6410A>C on transcript NM_000059.4 (MANE Select); coding-DNA position 6410, A replaced by C.
Protein change: p.Asn2137Thr; replaces asparagine 2137 with threonine.
Molecular consequence: missense variant. On other transcripts: non-coding transcript variant (1), intron variant (2).
Genome position (GRCh38, 1-based): chr13:32,340,765, A>C. VCF-style: chr13-32340765-A-C. GRCh37 (hg19) VCF-style: chr13-32914902-A-C.
Other names: c.6410A>C, p.Asn2137Thr (NM_001406719.1, NM_001406720.1); c.1910-3793A>C (NM_001406721.1); c.425-3793A>C (NM_001406722.1); short protein forms N2137T.
Identifiers: ClinVar variation 2744403 (VCV002744403.3), dbSNP rs1566234528, ClinGen allele CA387789258.